The following is an entry in ClinVar:

NM_014264.5(PLK4):c.554G>A (p.Arg185Gln)

Gene: PLK4 (polo like kinase 4; plus strand). Cytogenetic location: 4q28.1.
Variant type: single nucleotide variant.
Coding change: c.554G>A on transcript NM_014264.5 (MANE Select); coding-DNA position 554, G replaced by A.
Protein change: p.Arg185Gln; replaces arginine 185 with glutamine.
Molecular consequence: missense variant.
Genome position (GRCh38, 1-based): chr4:127,885,924, G>A. VCF-style: chr4-127885924-G-A. GRCh37 (hg19) VCF-style: chr4-128807079-G-A.
Other names: c.458G>A, p.Arg153Gln (NM_001190799.2); c.431G>A, p.Arg144Gln (NM_001190801.2); c.554G>A (NM_014264.4); short protein forms R144Q, R153Q, R185Q.
Identifiers: ClinVar variation 1009625 (VCV001009625.3), dbSNP rs200955595, ClinGen allele CA3076594.

ClinVar aggregate classification (germline): Uncertain significance. Review status: criteria provided, multiple submitters, no conflicts (2 of 4 stars). 2 submissions from 2 submitters: Uncertain significance (2). Last evaluated 2022-11-18.

Allele frequency attached by ClinVar (database versions not stated): gnomAD exomes 0.00001 and 0.00002; TOPMed 0.00001; ExAC 0.00003; gnomAD 0.00004 and 0.00005; ESP Exome Variant Server 0.00008; 1000 Genomes Project 0.00040; 1000 Genomes Project 30x 0.00047.
gnomAD v4.1: 16 of 1,614,068 alleles (0.00099%); highest among the groups gnomAD compares: African/African-American, 0.011%; no homozygotes.

Submissions (2):

GeneDx
Classification: Uncertain significance. Last evaluated: 2022-11-18. Review status: criteria provided, single submitter. Criteria: GeneDx Variant Classification Process June 2021. Collection method: clinical testing. Allele origin: germline. Affected: yes.
Comment: In silico analysis supports that this missense variant has a deleterious effect on protein structure/function; Has not been previously published as pathogenic or benign to our knowledge; This variant is associated with the following publications: (PMID: 27377421)

Labcorp Genetics (formerly Invitae), Labcorp
Classification: Uncertain significance. Last evaluated: 2022-07-23. Review status: criteria provided, single submitter. Criteria: Invitae Variant Classification Sherloc (09022015). Collection method: clinical testing. Allele origin: germline.
Comment: This sequence change replaces arginine, which is basic and polar, with glutamine, which is neutral and polar, at codon 185 of the PLK4 protein (p.Arg185Gln). This variant is present in population databases (rs200955595, gnomAD 0.01%). This variant has not been reported in the literature in individuals affected with PLK4-related conditions. ClinVar contains an entry for this variant (Variation ID: 1009625). Algorithms developed to predict the effect of missense changes on protein structure and function (SIFT, PolyPhen-2, Align-GVGD) all suggest that this variant is likely to be disruptive. In summary, the available evidence is currently insufficient to determine the role of this variant in disease. Therefore, it has been classified as a Variant of Uncertain Significance.